The following is an entry in ClinVar:

NM_001385.3(DPYS):c.298G>C (p.Asp100His)

Gene: DPYS (dihydropyrimidinase; minus strand). Cytogenetic location: 8q22.3.
Variant type: single nucleotide variant.
Coding change: c.298G>C on transcript NM_001385.3 (MANE Select); coding-DNA position 298, G replaced by C.
Protein change: p.Asp100His; replaces aspartic acid 100 with histidine.
Molecular consequence: missense variant.
Genome position (GRCh38, 1-based): chr8:104,451,371, C>G on the plus strand (G>C on the coding strand, the complement: DPYS is on the minus strand). VCF-style: chr8-104451371-C-G. GRCh37 (hg19) VCF-style: chr8-105463599-C-G.
Other names: short protein forms D100H.
Identifiers: ClinVar variation 1966067 (VCV001966067.5), dbSNP rs1380835122, ClinGen allele CA371938161.
Genomic context (GRCh38, chr8:104,451,371, plus strand): 5'-AGCTTCGCCAGGTCTCGAAGGCCTCAATGAGGGAGCCACCTTTCTGAGGAATGGCGAAAT[C>G]AATAATCATGGTGGTGCCTCCTGAGAGAGCAGCCTGGAATCATAAGAGGTTTTCAACAAA-3'
Protein context (NP_001376.1, residues 90-110): ALSGGTTMII[Asp100His]FAIPQKGGSL

ClinVar aggregate classification (germline): Uncertain significance (1 of 4 stars; one submission).

Allele frequency attached by ClinVar (database versions not stated): TOPMed below 0.00001.

Submission:

Labcorp Genetics (formerly Invitae), Labcorp
Classification: Uncertain significance. Last evaluated: 2022-02-24. Review status: criteria provided, single submitter. Criteria: Invitae Variant Classification Sherloc (09022015). Collection method: clinical testing. Allele origin: germline.
Comment: In summary, the available evidence is currently insufficient to determine the role of this variant in disease. Therefore, it has been classified as a Variant of Uncertain Significance. Algorithms developed to predict the effect of missense changes on protein structure and function (SIFT, PolyPhen-2, Align-GVGD) all suggest that this variant is likely to be disruptive. This variant has not been reported in the literature in individuals affected with DPYS-related conditions. This variant is not present in population databases (gnomAD no frequency). This sequence change replaces aspartic acid, which is acidic and polar, with histidine, which is basic and polar, at codon 100 of the DPYS protein (p.Asp100His).